The following is an entry in ClinVar:

ClinVar aggregate classification (germline): Conflicting classifications of pathogenicity. Review status: criteria provided, conflicting classifications (1 of 4 stars). 6 submissions from 4 submitters: Uncertain significance (4); Likely benign (2). Last evaluated 2026-01-13.

Conditions:
Factor V deficiency. Also called: Reduced coagulation factor V activity. Identifiers: Orphanet 326, MedGen C4317320, MONDO:0020586, HP:0003225.
Budd-Chiari syndrome (BDCHS). Also called: Hepatic vein obstruction. Identifiers: Orphanet 131, MedGen C0856761, MONDO:0010947, OMIM 600880, HP:0002639.
Thrombophilia due to thrombin defect (THPH1). Also called: Prothrombin Thrombophilia; Thrombosis susceptibility; THROMBOPHILIA DUE TO FACTOR 2 DEFECT; Prothrombin-Related Thrombophilia (Factor II). Identifiers: MedGen C3160733, MONDO:0008559, OMIM 188050. Disease mechanism: gain of function, loss of function.
F5-related disorder. Also called: F5-related condition.
Congenital factor V deficiency. Also called: Hereditary factor V deficiency disease; LABILE FACTOR DEFICIENCY; OWREN PARAHEMOPHILIA; PARAHEMOPHILIA. Identifiers: Orphanet 326, MedGen C0015499, MONDO:0009210, OMIM 227400.

Allele frequency attached by ClinVar (database versions not stated): gnomAD 0.00001 and 0.00006; gnomAD exomes 0.00016 and 0.00035; ExAC 0.00042.
gnomAD v4.1: 244 of 1,613,104 alleles (0.015%); highest among the groups gnomAD compares: South Asian, 0.26%; 1 homozygote.

Submissions (6):

Labcorp Genetics (formerly Invitae), Labcorp
Classification: Likely benign for Congenital factor V deficiency. Last evaluated: 2026-01-13. Review status: criteria provided, single submitter. Criteria: Invitae Variant Classification Sherloc (09022015). Collection method: clinical testing. Allele origin: germline.

PreventionGenetics, part of Exact Sciences
Classification: Likely benign for F5-related condition. Last evaluated: 2025-05-26. Review status: criteria provided, single submitter. Criteria: ACMG Guidelines, 2015. Collection method: clinical testing. Allele origin: germline.
Comment: This variant is classified as likely benign based on ACMG/AMP sequence variant interpretation guidelines (Richards et al. 2015 PMID: 25741868, with internal and published modifications).

Blueprint Genetics
Classification: Uncertain significance. Last evaluated: 2023-02-16. Review status: criteria provided, single submitter. Criteria: ACMG Guidelines, 2015. Collection method: clinical testing. Allele origin: germline.

Illumina Laboratory Services, Illumina
Classification: Uncertain significance for Venous thrombosis. Last evaluated: 2018-01-13. Review status: criteria provided, single submitter. Criteria: ICSL Variant Classification Criteria 13 December 2019. Collection method: clinical testing. Allele origin: germline.

Illumina Laboratory Services, Illumina
Classification: Uncertain significance for Congenital factor V deficiency. Last evaluated: 2018-01-13. Review status: criteria provided, single submitter. Criteria: ICSL Variant Classification Criteria 13 December 2019. Collection method: clinical testing. Allele origin: germline.

Illumina Laboratory Services, Illumina
Classification: Uncertain significance for Budd-Chiari syndrome. Last evaluated: 2018-01-13. Review status: criteria provided, single submitter. Criteria: ICSL Variant Classification Criteria 13 December 2019. Collection method: clinical testing. Allele origin: germline.

NM_000130.5(F5):c.5788+4A>T

Gene: F5 (coagulation factor V; minus strand). Cytogenetic location: 1q24.2.
Variant type: single nucleotide variant.
Coding change: c.5788+4A>T on transcript NM_000130.5 (MANE Select); 4 bases into the intron after coding-DNA position 5788, A replaced by T.
Molecular consequence: intron variant.
Genome position (GRCh38, 1-based): chr1:169,524,833, T>A on the plus strand (A>T on the coding strand, the complement: F5 is on the minus strand). VCF-style: chr1-169524833-T-A. GRCh37 (hg19) VCF-style: chr1-169494071-T-A.
Identifiers: ClinVar variation 293577 (VCV000293577.16), dbSNP rs759428783, ClinGen allele CA1233405.
Genomic context (GRCh38, chr1:169,524,833, plus strand): 5'-TCATAGGCTGCATGCTGCACAACTGTAGGGGGTACCATTCACAGACCATGGTGCTACAAC[T>A]TACCCAGAAACTCTGAAGCCTTGATCTGTGAATCAGATATGATACCAGTGCTTAGTCCCA-3'